The following is an entry in ClinVar:

ClinVar aggregate classification (germline): Likely benign. Review status: criteria provided, multiple submitters, no conflicts (2 of 4 stars). 4 submissions from 4 submitters: Likely benign (3). 1 of the submissions does not count toward it. Last evaluated 2026-01-24.

Conditions:
HMCN1-related disorder. Also called: HMCN1-related condition.
Age related macular degeneration 1 (ARMD1). Also called: MACULOPATHY, AGE-RELATED, 1. Identifiers: MedGen C1864205, MONDO:0011285, OMIM 603075.

Allele frequency attached by ClinVar (database versions not stated): gnomAD exomes 0.00009 and 0.00014; ExAC 0.00023; 1000 Genomes Project 30x 0.00031; 1000 Genomes Project 0.00040; gnomAD 0.00075 and 0.00081; TOPMed 0.00091; ESP Exome Variant Server 0.00092.
gnomAD v4.1: 255 of 1,611,444 alleles (0.016%); highest among the groups gnomAD compares: African/African-American, 0.31%; no homozygotes.

Submissions (4):

Labcorp Genetics (formerly Invitae), Labcorp
Classification: Likely benign. Last evaluated: 2026-01-24. Review status: criteria provided, single submitter. Criteria: Invitae Variant Classification Sherloc (09022015). Collection method: clinical testing. Allele origin: germline.

Genome-Nilou Lab
Classification: Likely benign for Age related macular degeneration 1. Last evaluated: 2023-04-11. Review status: criteria provided, single submitter. Criteria: ACMG Guidelines, 2015. Collection method: clinical testing. Allele origin: germline. Affected: no.

Illumina Laboratory Services, Illumina
Classification: Likely benign for Age related macular degeneration 1. Last evaluated: 2018-01-12. Review status: criteria provided, single submitter. Criteria: ICSL Variant Classification Criteria 13 December 2019. Collection method: clinical testing. Allele origin: germline.
Comment: This variant was observed in the ICSL laboratory as part of a predisposition screen in an ostensibly healthy population. It had not been previously curated by ICSL or reported in the Human Gene Mutation Database (HGMD: prior to June 1st, 2018), and was therefore a candidate for classification through an automated scoring system. Utilizing variant allele frequency, disease prevalence and penetrance estimates, and inheritance mode, an automated score was calculated to assess if this variant is too frequent to cause the disease. Based on the score and internal cut-off values, a variant classified as likely benign is not then subjected to further curation. The score for this variant resulted in a classification of likely benign for this disease.

PreventionGenetics, part of Exact Sciences
Classification: Likely benign for HMCN1-related condition. Last evaluated: 2019-12-03. Review status: no assertion criteria provided. Collection method: clinical testing. Allele origin: germline. Not counted in ClinVar's aggregate classification.
Comment: This variant is classified as likely benign based on ACMG/AMP sequence variant interpretation guidelines (Richards et al. 2015 PMID: 25741868, with internal and published modifications).

NM_031935.3(HMCN1):c.13231-4A>G

Gene: HMCN1 (hemicentin 1; plus strand). Cytogenetic location: 1q31.1.
Variant type: single nucleotide variant.
Coding change: c.13231-4A>G on transcript NM_031935.3 (MANE Select); 4 bases into the intron before coding-DNA position 13231, A replaced by G.
Molecular consequence: intron variant.
Genome position (GRCh38, 1-based): chr1:186,132,324, A>G. VCF-style: chr1-186132324-A-G. GRCh37 (hg19) VCF-style: chr1-186101456-A-G.
Identifiers: ClinVar variation 294261 (VCV000294261.15), dbSNP rs191690433, ClinGen allele CA1294605.